The following is an entry in ClinVar:

NM_003000.3(SDHB):c.579C>T (p.Ser193=)

Gene: SDHB (succinate dehydrogenase complex iron sulfur subunit B; minus strand). Cytogenetic location: 1p36.13.
Variant type: single nucleotide variant.
Coding change: c.579C>T on transcript NM_003000.3 (MANE Select); coding-DNA position 579, C replaced by T.
Protein change: p.Ser193=; no amino-acid change (serine 193 retained).
Molecular consequence: synonymous variant.
Genome position (GRCh38, 1-based): chr1:17,024,036, G>A on the plus strand (C>T on the coding strand, the complement: SDHB is on the minus strand). VCF-style: chr1-17024036-G-A. GRCh37 (hg19) VCF-style: chr1-17350531-G-A.
Other names: c.525C>T, p.Ser175= (NM_001407361.1).
Identifiers: ClinVar variation 3904637 (VCV003904637.1).
Genomic context (GRCh38, chr1:17,024,036, plus strand): 5'-CATAAGAACTGCAGGCCCCAGATATTTGTCTCCGTTCCACCAGTAGCTGGGGCAGCTGGT[G>A]CTACAGCAGGCACAGAGAATGCACTCGTAGAGCCCGTCCTGTATGGGGAGAAAAGAGAGG-3'
Protein context (NP_002991.2, residues 183-203): LYECILCACC[Ser193=]TSCPSYWWNG

ClinVar aggregate classification (germline): Benign (1 of 4 stars; one submission).

Conditions:
Pheochromocytoma/paraganglioma syndrome 4. Also called: CAROTID BODY TUMORS AND MULTIPLE EXTRAADRENAL PHEOCHROMOCYTOMAS; PARAGANGLIOMA, FAMILIAL MALIGNANT; PARAGANGLIOMAS, HEREDITARY EXTRAADRENAL; PHEOCHROMOCYTOMA, FAMILIAL EXTRAADRENAL; Paragangliomas 4; SDHB-Related Hereditary Paraganglioma-Pheochromocytoma Syndrome (Paragangliomas 4). Identifiers: Orphanet 29072, MedGen C1861848, MONDO:0007273, OMIM 115310.

Submission:

Myriad Genetics, Inc.
Classification: Benign for Pheochromocytoma/paraganglioma syndrome 4. Last evaluated: 2025-03-13. Review status: criteria provided, single submitter. Criteria: Myriad Autosomal Dominant, Autosomal Recessive and X-Linked Classification Criteria (2023). Collection method: clinical testing. Allele origin: unknown.
Comment: This variant is considered benign. This variant is a silent/synonymous amino acid change and it is not expected to impact splicing.